The following is an entry in ClinVar:

ClinVar aggregate classification (germline): Uncertain significance (1 of 4 stars; one submission).

Conditions:
Inborn genetic diseases. Identifiers: MedGen C0950123, MeSH D030342.

Submission:

Ambry Genetics
Classification: Uncertain significance for Inborn genetic diseases. Last evaluated: 2025-03-09. Review status: criteria provided, single submitter. Criteria: Ambry Variant Classification Scheme 2023. Collection method: clinical testing. Allele origin: germline.
Comment: The p.E133Q variant (also known as c.397G>C), located in coding exon 3 of the MBD4 gene, results from a G to C substitution at nucleotide position 397. The glutamic acid at codon 133 is replaced by glutamine, an amino acid with highly similar properties. This amino acid position is conserved. In addition, the in silico prediction for this alteration is inconclusive. Based on the available evidence, the clinical significance of this variant remains unclear.

NM_001276270.2(MBD4):c.397G>C (p.Glu133Gln)

Gene: MBD4 (methyl-CpG binding domain 4, DNA glycosylase; minus strand). Cytogenetic location: 3q21.3.
Variant type: single nucleotide variant.
Coding change: c.397G>C on transcript NM_001276270.2 (MANE Select); coding-DNA position 397, G replaced by C.
Protein change: p.Glu133Gln; replaces glutamic acid 133 with glutamine.
Molecular consequence: missense variant. On other transcripts: intron variant (1).
Genome position (GRCh38, 1-based): chr3:129,437,247, C>G on the plus strand (G>C on the coding strand, the complement: MBD4 is on the minus strand). VCF-style: chr3-129437247-C-G. GRCh37 (hg19) VCF-style: chr3-129156090-C-G.
Other names: c.397G>C, p.Glu133Gln (NM_001276271.2, NM_001276272.2, NM_003925.3); c.247+561G>C (NM_001276273.2); short protein forms E133Q.
Identifiers: ClinVar variation 3870950 (VCV003870950.1).
Genomic context (GRCh38, chr3:129,437,247, plus strand): 5'-ACTTGATACCCCTTTTAGAAAGTACAGTAAAATCAAAATCTTCTGGCTTAAGAGAAGTCT[C>G]TCCATTTTTGTGAAGATAATTAGCAAGTGAACTTTTGGATCTGAACTTCAGTCCTTGTGG-3'
Protein context (NP_001263199.1, residues 123-143): SLANYLHKNG[Glu133Gln]TSLKPEDFDF